The following is an entry in ClinVar:

ClinVar aggregate classification (germline): Uncertain significance (1 of 4 stars; one submission).

Conditions:
Cowden syndrome (CS). Also called: Cowden's disease; Cowden's syndrome; Cowden disease. Identifiers: Orphanet 201, MedGen C0018553, MONDO:0016063. Disease mechanism: gain of function.

Submission:

Labcorp Genetics (formerly Invitae), Labcorp
Classification: Uncertain significance for Cowden syndrome. Last evaluated: 2020-03-03. Review status: criteria provided, single submitter. Criteria: Invitae Variant Classification Sherloc (09022015). Collection method: clinical testing. Allele origin: germline.
Comment: This sequence change replaces methionine with isoleucine at codon 583 of the PIK3CA protein (p.Met583Ile). The methionine residue is highly conserved and there is a small physicochemical difference between methionine and isoleucine. This variant is not present in population databases (ExAC no frequency). This variant has not been reported in the literature in individuals with PIK3CA-related conditions. Algorithms developed to predict the effect of missense changes on protein structure and function (SIFT, PolyPhen-2, Align-GVGD) all suggest that this variant is likely to be tolerated, but these predictions have not been confirmed by published functional studies and their clinical significance is uncertain. In summary, the available evidence is currently insufficient to determine the role of this variant in disease. Therefore, it has been classified as a Variant of Uncertain Significance.

NM_006218.4(PIK3CA):c.1749G>T (p.Met583Ile)

Gene: PIK3CA (phosphatidylinositol-4,5-bisphosphate 3-kinase catalytic subunit alpha; plus strand). Cytogenetic location: 3q26.32.
Variant type: single nucleotide variant.
Coding change: c.1749G>T on transcript NM_006218.4 (MANE Select); coding-DNA position 1749, G replaced by T.
Protein change: p.Met583Ile; replaces methionine 583 with isoleucine.
Molecular consequence: missense variant.
Genome position (GRCh38, 1-based): chr3:179,219,573, G>T. VCF-style: chr3-179219573-G-T. GRCh37 (hg19) VCF-style: chr3-178937361-G-T.
Other names: short protein forms M583I.
Identifiers: ClinVar variation 1038463 (VCV001038463.9), dbSNP rs1302992156, ClinGen allele CA355265765.